The following is an entry in ClinVar:

NM_003743.5(NCOA1):c.3867G>A (p.Ala1289=)

Gene: NCOA1 (nuclear receptor coactivator 1; plus strand). Cytogenetic location: 2p23.3.
Variant type: single nucleotide variant.
Coding change: c.3867G>A on transcript NM_003743.5 (MANE Select); coding-DNA position 3867, G replaced by A.
Protein change: p.Ala1289=; no amino-acid change (alanine 1289 retained).
Molecular consequence: synonymous variant.
Genome position (GRCh38, 1-based): chr2:24,752,142, G>A. VCF-style: chr2-24752142-G-A. GRCh37 (hg19) VCF-style: chr2-24975011-G-A.
Other names: c.3867G>A, p.Ala1289= (NM_001362950.1, NM_001362952.1, NM_001362954.1 and 3 more transcripts).
Identifiers: ClinVar variation 4987902 (VCV004987902.1).

ClinVar aggregate classification (germline): Likely benign (1 of 4 stars; one submission).

Conditions:
NCOA1-related disorder. Also called: NCOA1-related condition.

gnomAD v4.1: 10 of 1,613,772 alleles (0.00062%); highest among the groups gnomAD compares: Non-Finnish European, 0.00085%; no homozygotes.

Submission:

PreventionGenetics, part of Exact Sciences
Classification: Likely benign for NCOA1-related condition. Last evaluated: 2026-02-04. Review status: criteria provided, single submitter. Criteria: ACMG Guidelines, 2015. Collection method: clinical testing. Allele origin: germline.
Comment: This variant is classified as likely benign based on ACMG/AMP sequence variant interpretation guidelines (Richards et al. 2015 PMID: 25741868, with internal and published modifications).